The following is an entry in ClinVar:

ClinVar aggregate classification (germline): Conflicting classifications of pathogenicity. Review status: criteria provided, conflicting classifications (1 of 4 stars). 4 submissions from 4 submitters: Uncertain significance (2); Likely benign (1). 1 of the submissions does not count toward it. Last evaluated 2025-01-21.

Conditions:
Hereditary cancer-predisposing syndrome. Also called: Hereditary neoplastic syndrome; Neoplastic Syndromes, Hereditary; Tumor predisposition; Hereditary Cancer Syndrome. Identifiers: Orphanet 140162, MedGen C0027672, MeSH D009386, MONDO:0015356.
Microcephaly, normal intelligence and immunodeficiency (NBS). Also called: IMMUNODEFICIENCY, MICROCEPHALY, AND CHROMOSOMAL INSTABILITY; SEEMANOVA SYNDROME II; Nijmegen breakage syndrome; Microcephaly with normal intelligence immunodeficiency and lymphoreticular malignancies; Nonsyndromal microcephaly autosomal recessive with normal intelligence; Seemanova syndrome 2. Identifiers: Orphanet 647, MedGen C0398791, MONDO:0009623, OMIM 251260.

Allele frequency attached by ClinVar (database versions not stated): gnomAD exomes below 0.00001; ExAC 0.00001.

Submissions (4):

Labcorp Genetics (formerly Invitae), Labcorp
Classification: Uncertain significance for Microcephaly, normal intelligence and immunodeficiency. Last evaluated: 2025-01-21. Review status: criteria provided, single submitter. Criteria: Invitae Variant Classification Sherloc (09022015). Collection method: clinical testing. Allele origin: germline.
Comment: This sequence change replaces lysine, which is basic and polar, with arginine, which is basic and polar, at codon 504 of the NBN protein (p.Lys504Arg). This variant is not present in population databases (gnomAD no frequency). This variant has not been reported in the literature in individuals affected with NBN-related conditions. ClinVar contains an entry for this variant (Variation ID: 481865). An algorithm developed to predict the effect of missense changes on protein structure and function outputs the following: PolyPhen-2: "Benign". The arginine amino acid residue is found in multiple mammalian species, which suggests that this missense change does not adversely affect protein function. In summary, the available evidence is currently insufficient to determine the role of this variant in disease. Therefore, it has been classified as a Variant of Uncertain Significance.

Ambry Genetics
Classification: Likely benign for Hereditary cancer-predisposing syndrome. Last evaluated: 2024-03-27. Review status: criteria provided, single submitter. Criteria: Ambry Variant Classification Scheme 2023. Collection method: clinical testing. Allele origin: germline.

Genome-Nilou Lab
Classification: Uncertain significance for Microcephaly, normal intelligence and immunodeficiency. Last evaluated: 2021-11-07. Review status: criteria provided, single submitter. Criteria: ACMG Guidelines, 2015. Collection method: clinical testing. Allele origin: germline. Affected: no.

Natera, Inc.
Classification: Uncertain significance for Nijmegen breakage syndrome. Last evaluated: 2021-10-07. Review status: no assertion criteria provided. Collection method: clinical testing. Allele origin: germline. Not counted in ClinVar's aggregate classification.

NM_002485.5(NBN):c.1511A>G (p.Lys504Arg)

Gene: NBN (nibrin; minus strand). Cytogenetic location: 8q21.3.
Variant type: single nucleotide variant.
Coding change: c.1511A>G on transcript NM_002485.5 (MANE Select); coding-DNA position 1511, A replaced by G.
Protein change: p.Lys504Arg; replaces lysine 504 with arginine.
Molecular consequence: missense variant.
Genome position (GRCh38, 1-based): chr8:89,953,578, T>C on the plus strand (A>G on the coding strand, the complement: NBN is on the minus strand). VCF-style: chr8-89953578-T-C. GRCh37 (hg19) VCF-style: chr8-90965806-T-C.
Other names: c.1265A>G, p.Lys422Arg (NM_001024688.3); short protein forms K504R, K422R.
Identifiers: ClinVar variation 481865 (VCV000481865.20), dbSNP rs757754183, ClinGen allele CA4802708.